The following is an entry in ClinVar:

NM_001134831.2(AHI1):c.1510A>T (p.Lys504Ter)

Gene: AHI1 (Abelson helper integration site 1; minus strand). Cytogenetic location: 6q23.3.
Variant type: single nucleotide variant.
Coding change: c.1510A>T on transcript NM_001134831.2 (MANE Select); coding-DNA position 1510, A replaced by T.
Protein change: p.Lys504Ter; replaces lysine 504 with a stop codon.
Molecular consequence: nonsense.
Genome position (GRCh38, 1-based): chr6:135,448,406, T>A on the plus strand (A>T on the coding strand, the complement: AHI1 is on the minus strand). VCF-style: chr6-135448406-T-A. GRCh37 (hg19) VCF-style: chr6-135769544-T-A.
Other names: c.1510A>T, p.Lys504Ter (NM_001134830.2, NM_001134832.2, NM_001350503.2 and 2 more transcripts); short protein forms K504*.
Identifiers: ClinVar variation 5014898 (VCV005014898.1).

ClinVar aggregate classification (germline): Pathogenic (1 of 4 stars; one submission).

Conditions:
Joubert syndrome 3 (JBTS3). Also called: AHI1-related Ciliopathy. Identifiers: Orphanet 220493, MedGen C1837713, MONDO:0012078, OMIM 608629.

Submission:

Myriad Genetics, Inc.
Classification: Pathogenic for Joubert syndrome 3. Last evaluated: 2025-08-20. Review status: criteria provided, single submitter. Criteria: Myriad Autosomal Dominant, Autosomal Recessive and X-Linked Classification Criteria (2023). Collection method: clinical testing. Allele origin: unknown.
Comment: NM_001134831.1(AHI1):c.1510A>T(K504*) is expected to be pathogenic in the context of Joubert syndrome, AHI1-related. This variant is predicted to lead to an abnormal or absent protein product due to the creation of a premature termination codon in AHI1, a gene where loss-of-function variants are known to be pathogenic. Please note: this variant was assessed in the context of healthy population screening.